The following is an entry in ClinVar:

ClinVar aggregate classification (germline): Pathogenic. Review status: criteria provided, multiple submitters, no conflicts (2 of 4 stars). 2 submissions from 2 submitters: Pathogenic (2). Last evaluated 2023-08-31.

Conditions:
Familial adenomatous polyposis 3. Also called: NTHL1-Related Adenomatous Polyposis and Colorectal Cancer; NTHL1 Tumor Syndrome; NTHL1-related attenuated familial adenomatous polyposis; NTHL1-associated polyposis. Identifiers: Orphanet 220460, Orphanet 454840, MedGen C4225157, MONDO:0014630, OMIM 616415.
Hereditary cancer-predisposing syndrome. Also called: Tumor predisposition; Neoplastic Syndromes, Hereditary; Hereditary Cancer Syndrome; Hereditary neoplastic syndrome. Identifiers: Orphanet 140162, MedGen C0027672, MeSH D009386, MONDO:0015356.

Submissions (2):

Myriad Genetics, Inc.
Classification: Pathogenic for Familial adenomatous polyposis 3. Last evaluated: 2023-08-31. Review status: criteria provided, single submitter. Criteria: Myriad Autosomal Dominant, Autosomal Recessive and X-Linked Classification Criteria (2023). Collection method: clinical testing. Allele origin: unknown.
Comment: This variant is considered pathogenic. This variant creates a termination codon and is predicted to result in premature protein truncation.

Ambry Genetics
Classification: Pathogenic for Hereditary cancer-predisposing syndrome. Last evaluated: 2020-12-03. Review status: criteria provided, single submitter. Criteria: Ambry Variant Classification Scheme 2023. Collection method: clinical testing. Allele origin: germline.
Comment: The c.162delC pathogenic mutation, located in coding exon 2 of the NTHL1 gene, results from a deletion of one nucleotide at nucleotide position 162, causing a translational frameshift with a predicted alternate stop codon (p.V55*). This alteration is expected to result in loss of function by premature protein truncation or nonsense-mediated mRNA decay. As such, this alteration is interpreted as a disease-causing mutation.

NM_002528.7(NTHL1):c.138del (p.Pro46_Val47insTer)

Gene: NTHL1 (nth like DNA glycosylase 1; minus strand). Cytogenetic location: 16p13.3.
Variant type: Deletion.
Coding change: c.138del on transcript NM_002528.7 (MANE Select); coding-DNA position 138, one base deleted (C; older notation c.138delC).
Protein change: p.Pro46_Val47insTer.
Molecular consequence: frameshift variant. On other transcripts: 5 prime UTR variant (1).
Genome position (GRCh38, 1-based): chr16:2,046,344, G deleted on the plus strand (C on the coding strand, the reverse complement: NTHL1 is on the minus strand); the first of 4 consecutive G bases (chr16:2,046,344-2,046,347); deleting any one gives the same sequence. VCF-style (leftmost placement, unchanged base first): chr16-2046343-CG-C. GRCh37 (hg19) VCF-style: chr16-2096344-CG-C.
Other names: c.138del, p.Pro46_Val47insTer (NM_001318193.2); c.-41del (NM_001318194.2).
Identifiers: ClinVar variation 1776794 (VCV001776794.3), dbSNP rs2548321575, ClinGen allele CA2580090653.